The following is an entry in ClinVar:

NM_002691.4(POLD1):c.1240A>G (p.Lys414Glu)

Gene: POLD1 (DNA polymerase delta 1, catalytic subunit; plus strand). Cytogenetic location: 19q13.33.
Variant type: single nucleotide variant.
Coding change: c.1240A>G on transcript NM_002691.4 (MANE Select); coding-DNA position 1240, A replaced by G.
Protein change: p.Lys414Glu; replaces lysine 414 with glutamic acid.
Molecular consequence: missense variant. On other transcripts: non-coding transcript variant (1).
Genome position (GRCh38, 1-based): chr19:50,403,595, A>G. VCF-style: chr19-50403595-A-G. GRCh37 (hg19) VCF-style: chr19-50906852-A-G.
Other names: c.1240A>G, p.Lys414Glu (NM_001256849.1, NM_001308632.1); c.1240A>G (NM_002691.2); short protein forms K414E.
Identifiers: ClinVar variation 505589 (VCV000505589.11), dbSNP rs1555790592, ClinGen allele CA406978643.

ClinVar aggregate classification (germline): Uncertain significance. Review status: criteria provided, multiple submitters, no conflicts (2 of 4 stars). 3 submissions from 3 submitters: Uncertain significance (3). Last evaluated 2026-04-21.

Conditions:
Hereditary cancer-predisposing syndrome. Also called: Tumor predisposition; Hereditary Cancer Syndrome; Hereditary neoplastic syndrome; Neoplastic Syndromes, Hereditary. Identifiers: Orphanet 140162, MedGen C0027672, MeSH D009386, MONDO:0015356.
POLD1-related polyposis and colorectal cancer syndrome (CRCS10). Also called: Colorectal cancer 10; COLORECTAL CANCER, SUSCEPTIBILITY TO, ON CHROMOSOME 19q; Colorectal cancer, susceptibility to, 10. Identifiers: Orphanet 220460, MedGen C2675481, MONDO:0012953, OMIM 612591.

Allele frequency attached by ClinVar (database versions not stated): gnomAD exomes below 0.00001.
gnomAD v4.1: 2 of 1,597,508 alleles (0.00013%); highest among the groups gnomAD compares: East Asian, 0.0045%; no homozygotes.

Submissions (3):

Ambry Genetics
Classification: Uncertain significance for Hereditary cancer-predisposing syndrome. Last evaluated: 2026-04-21. Review status: criteria provided, single submitter. Criteria: Ambry Variant Classification Scheme 2023. Collection method: clinical testing. Allele origin: germline.
Comment: The p.K414E variant (also known as c.1240A>G), located in coding exon 9 of the POLD1 gene, results from an A to G substitution at nucleotide position 1240. The lysine at codon 414 is replaced by glutamic acid, an amino acid with similar properties. This amino acid position is highly conserved in available vertebrate species. In addition, this alteration is predicted to be tolerated by in silico analysis. Based on the available evidence, the clinical significance of this variant remains unclear.

Labcorp Genetics (formerly Invitae), Labcorp
Classification: Uncertain significance for POLD1-related polyposis and colorectal cancer syndrome. Last evaluated: 2024-09-30. Review status: criteria provided, single submitter. Criteria: Invitae Variant Classification Sherloc (09022015). Collection method: clinical testing. Allele origin: germline.
Comment: This sequence change replaces lysine, which is basic and polar, with glutamic acid, which is acidic and polar, at codon 414 of the POLD1 protein (p.Lys414Glu). This variant is not present in population databases (gnomAD no frequency). This variant has not been reported in the literature in individuals affected with POLD1-related conditions. ClinVar contains an entry for this variant (Variation ID: 505589). An algorithm developed to predict the effect of missense changes on protein structure and function (PolyPhen-2) suggests that this variant is likely to be disruptive. In summary, the available evidence is currently insufficient to determine the role of this variant in disease. Therefore, it has been classified as a Variant of Uncertain Significance.

Laboratory for Molecular Medicine, Mass General Brigham Personalized Medicine
Classification: Uncertain significance. Last evaluated: 2017-03-09. Review status: criteria provided, single submitter. Criteria: LMM Criteria. Collection method: clinical testing. Allele origin: germline. Observed: 1 variant allele.
Comment: The p.Lys414Glu variant in POLD1 has not been previously reported in individuals with colorectal cancer or in large population studies. This variant is located in the last three bases of the exon, which is part of the 5? splice region. Spli cing prediction tools do not suggest an impact to splicing and computational too ls and conservation analysis do not provide strong support for or against an imp act to the protein. However, this information is not predictive enough to rule o ut pathogenicity. In summary, the clinical significance of the p.Lys414Glu varia nt is uncertain.